The following is an entry in ClinVar:

NM_015160.3(PMPCA):c.1440C>T (p.Val480=)

Gene: PMPCA (peptidase, mitochondrial processing subunit alpha; plus strand). Cytogenetic location: 9q34.3.
Variant type: single nucleotide variant.
Coding change: c.1440C>T on transcript NM_015160.3 (MANE Select); coding-DNA position 1440, C replaced by T.
Protein change: p.Val480=; no amino-acid change (valine 480 retained).
Molecular consequence: synonymous variant.
Genome position (GRCh38, 1-based): chr9:136,423,126, C>T. VCF-style: chr9-136423126-C-T. GRCh37 (hg19) VCF-style: chr9-139317578-C-T.
Other names: c.1047C>T, p.Val349= (NM_001282944.2); c.1140C>T, p.Val380= (NM_001282946.2).
Identifiers: ClinVar variation 740551 (VCV000740551.15), dbSNP rs141852055, ClinGen allele CA5336555.
Genomic context (GRCh38, chr9:136,423,126, plus strand): 5'-GTGTGACACGCGTTTGCCCTCTGCACTAGGCAACGTGAAGCCGGAAGATGTGAAGAGAGT[C>T]GCTTCTAAGATGCTCCGAGGGAAGCCGGCAGTGGCCGCCCTGGGTGACCTGACTGACCTG-3'
Protein context (NP_055975.1, residues 470-490): RNVKPEDVKR[Val480=]ASKMLRGKPA

ClinVar aggregate classification (germline): Likely benign. Review status: criteria provided, multiple submitters, no conflicts (2 of 4 stars). 2 submissions from 2 submitters: Likely benign (2). Last evaluated 2026-03-01.

Allele frequency attached by ClinVar (database versions not stated): TOPMed 0.00026; gnomAD exomes 0.00028; ExAC 0.00031; gnomAD 0.00035 and 0.00036; ESP Exome Variant Server 0.00054.
gnomAD v4.1: 1,026 of 1,613,254 alleles (0.064%); highest among the groups gnomAD compares: Non-Finnish European, 0.08%; no homozygotes.

Submissions (2):

CeGaT Center for Human Genetics Tuebingen
Classification: Likely benign. Last evaluated: 2026-03-01. Review status: criteria provided, single submitter. Criteria: CeGaT Center For Human Genetics Tuebingen Variant Classification Criteria Version 2. Collection method: clinical testing. Allele origin: germline. Affected: yes. Observed: 2 variant alleles.
Comment: PMPCA: BP4, BP7

Labcorp Genetics (formerly Invitae), Labcorp
Classification: Likely benign. Last evaluated: 2025-09-02. Review status: criteria provided, single submitter. Criteria: Invitae Variant Classification Sherloc (09022015). Collection method: clinical testing. Allele origin: germline.